The following is an entry in ClinVar:

NC_000019.9:g.(?_54297303)_(54314562_?)dup

Gene: NLRP12 (NLR family pyrin domain containing 12; minus strand). Cytogenetic location: 19q13.42.
Variant type: Duplication.
Identifiers: ClinVar variation 1362665 (VCV001362665.4).

ClinVar aggregate classification (germline): Uncertain significance (1 of 4 stars; one submission).

Conditions:
Familial cold autoinflammatory syndrome 2 (FCAS2). Identifiers: Orphanet 247868, MedGen C2673198, MONDO:0012724, OMIM 611762.

Submission:

Labcorp Genetics (formerly Invitae), Labcorp
Classification: Uncertain significance for Familial cold autoinflammatory syndrome 2. Last evaluated: 2021-05-28. Review status: criteria provided, single submitter. Criteria: Invitae Variant Classification Sherloc (09022015). Collection method: clinical testing. Allele origin: germline.
Comment: In summary, the available evidence is currently insufficient to determine the role of this variant in disease. Therefore, it has been classified as a Variant of Uncertain Significance. This variant has not been reported in the literature in individuals with NLRP12-related conditions. This variant results in a copy number gain of the genomic region encompassing exon(s) 3-10 of the NLRP12 gene. The 5' boundary is likely confined to intron 2. The 3' end of this event is unknown as it extends beyond the assayed region for this gene and therefore may encompass additional genes. As the precise location of this event is unknown, it may be in tandem or it may be located elsewhere in the genome.